The following is an entry in ClinVar:

NM_001042492.3(NF1):c.4823A>G (p.Tyr1608Cys)

Gene: NF1 (neurofibromin 1; plus strand). Cytogenetic location: 17q11.2.
Variant type: single nucleotide variant.
Coding change: c.4823A>G on transcript NM_001042492.3 (MANE Select); coding-DNA position 4823, A replaced by G.
Protein change: p.Tyr1608Cys; replaces tyrosine 1608 with cysteine.
Molecular consequence: missense variant.
Genome position (GRCh38, 1-based): chr17:31,265,327, A>G. VCF-style: chr17-31265327-A-G. GRCh37 (hg19) VCF-style: chr17-29592345-A-G.
Other names: c.4760A>G, p.Tyr1587Cys (NM_000267.4); short protein forms Y1587C, Y1608C.
Identifiers: ClinVar variation 457718 (VCV000457718.7), dbSNP rs1555619417, ClinGen allele CA399001370.
Genomic context (GRCh38, chr17:31,265,327, plus strand): 5'-AAACGTTAAGTATTTTCTACCAAGCTGGGACTTCCAAAGCTGGGAATCCTATTTTTTATT[A>G]TGTTGCACGGAGGTAAGAAATACTATGTTTTGGGTCTCTTAACAGAATTTTTTAAATTAT-3'
Protein context (NP_001035957.1, residues 1598-1618): TSKAGNPIFY[Tyr1608Cys]VARRFKTGQI

ClinVar aggregate classification (germline): Uncertain significance. Review status: criteria provided, multiple submitters, no conflicts (2 of 4 stars). 2 submissions from 2 submitters: Uncertain significance (2). Last evaluated 2023-02-22.

Conditions:
Neurofibromatosis, type 1 (NF1). Also called: VON RECKLINGHAUSEN DISEASE; NEUROFIBROMATOSIS, TYPE I, SOMATIC; Peripheral type neurofibromatosis; Neurofibromatosis, type I. Identifiers: Orphanet 636, MedGen C0027831, MONDO:0018975, OMIM 162200. Disease mechanism: loss of function.
Cardiovascular phenotype. Identifiers: MedGen CN230736.
Hereditary cancer-predisposing syndrome. Also called: Hereditary Cancer Syndrome; Hereditary neoplastic syndrome; Tumor predisposition; Neoplastic Syndromes, Hereditary. Identifiers: Orphanet 140162, MedGen C0027672, MeSH D009386, MONDO:0015356.

Submissions (2):

Ambry Genetics
Classification: Uncertain significance for Cardiovascular phenotype; Hereditary cancer-predisposing syndrome. Last evaluated: 2023-02-22. Review status: criteria provided, single submitter. Criteria: Ambry Variant Classification Scheme 2023. Collection method: clinical testing. Allele origin: germline.
Comment: The p.Y1587C variant (also known as c.4760A>G), located in coding exon 35 of the NF1 gene, results from an A to G substitution at nucleotide position 4760. The tyrosine at codon 1587 is replaced by cysteine, an amino acid with highly dissimilar properties. This amino acid position is highly conserved in available vertebrate species. In addition, this alteration is predicted to be deleterious by in silico analysis. Since supporting evidence is limited at this time, the clinical significance of this alteration remains unclear.

Labcorp Genetics (formerly Invitae), Labcorp
Classification: Uncertain significance for Neurofibromatosis, type 1. Last evaluated: 2022-02-10. Review status: criteria provided, single submitter. Criteria: Invitae Variant Classification Sherloc (09022015). Collection method: clinical testing. Allele origin: germline.
Comment: In summary, the available evidence is currently insufficient to determine the role of this variant in disease. Therefore, it has been classified as a Variant of Uncertain Significance. Advanced modeling of protein sequence and biophysical properties (such as structural, functional, and spatial information, amino acid conservation, physicochemical variation, residue mobility, and thermodynamic stability) performed at Invitae indicates that this missense variant is expected to disrupt NF1 protein function. ClinVar contains an entry for this variant (Variation ID: 457718). This variant has not been reported in the literature in individuals affected with NF1-related conditions. This variant is not present in population databases (gnomAD no frequency). This sequence change replaces tyrosine, which is neutral and polar, with cysteine, which is neutral and slightly polar, at codon 1587 of the NF1 protein (p.Tyr1587Cys).